The following is an entry in ClinVar:

NM_000218.3(KCNQ1):c.1282G>A (p.Asp428Asn)

Gene: KCNQ1 (potassium voltage-gated channel subfamily Q member 1; plus strand). Cytogenetic location: 11p15.5.
Variant type: single nucleotide variant.
Coding change: c.1282G>A on transcript NM_000218.3 (MANE Select); coding-DNA position 1282, G replaced by A.
Protein change: p.Asp428Asn; replaces aspartic acid 428 with asparagine.
Molecular consequence: missense variant.
Genome position (GRCh38, 1-based): chr11:2,588,743, G>A. VCF-style: chr11-2588743-G-A. GRCh37 (hg19) VCF-style: chr11-2609973-G-A.
Other names: c.1186G>A, p.Asp396Asn (NM_001406836.1); c.1012G>A, p.Asp338Asn (NM_001406837.1); c.742G>A, p.Asp248Asn (NM_001406838.1); c.901G>A, p.Asp301Asn (NM_181798.2); short protein forms D248N, D301N, D338N, D396N, D428N.
Identifiers: ClinVar variation 3070552 (VCV003070552.1), dbSNP rs2493708320, ClinGen allele CA379134964.

ClinVar aggregate classification (germline): Uncertain significance (1 of 4 stars; one submission).

Conditions:
Long QT syndrome (LQTS). Identifiers: MedGen C0023976, MeSH D008133, MONDO:0002442. Disease mechanism: loss of function. Inheritance: Various modes of inheritance.

Submission:

All of Us Research Program, National Institutes of Health
Classification: Uncertain significance for Long QT syndrome. Last evaluated: 2023-04-27. Review status: criteria provided, single submitter. Criteria: ACMG Guidelines, 2015. Collection method: clinical testing. Allele origin: germline. Inheritance: Autosomal dominant inheritance. Observed: 1 variant allele, 1 heterozygote.
Comment: This study involves interpretation of variants in research participants for the purpose of population health screening. Participant phenotype was not available at the time of variant classification. Additional details can be found in publication PMID: 35346344, PMCID: PMC8962531